The following is an entry in ClinVar:

NM_138694.4(PKHD1):c.8345G>A (p.Gly2782Glu)

Gene: PKHD1 (PKHD1 ciliary IPT domain containing fibrocystin/polyductin; minus strand). Cytogenetic location: 6p12.3.
Variant type: single nucleotide variant.
Coding change: c.8345G>A on transcript NM_138694.4 (MANE Select); coding-DNA position 8345, G replaced by A.
Protein change: p.Gly2782Glu; replaces glycine 2782 with glutamic acid.
Molecular consequence: missense variant.
Genome position (GRCh38, 1-based): chr6:51,791,331, C>T on the plus strand (G>A on the coding strand, the complement: PKHD1 is on the minus strand). VCF-style: chr6-51791331-C-T. GRCh37 (hg19) VCF-style: chr6-51656129-C-T.
Other names: c.8345G>A, p.Gly2782Glu (NM_170724.3); short protein forms G2782E.
Identifiers: ClinVar variation 1918991 (VCV001918991.2), dbSNP rs147222255, ClinGen allele CA3851658.

ClinVar aggregate classification (germline): Uncertain significance (1 of 4 stars; one submission).

Conditions:
Autosomal recessive polycystic kidney disease (ARPKD). Also called: AR polycystic kidney disease. Identifiers: Orphanet 731, Orphanet 8378, MedGen C0085548, MeSH D017044, MONDO:0009889.

gnomAD v4.1: 13 of 1,613,138 alleles (0.00081%); highest among the groups gnomAD compares: Middle Eastern, 0.016%; no homozygotes.

Submission:

Labcorp Genetics (formerly Invitae), Labcorp
Classification: Uncertain significance for Autosomal recessive polycystic kidney disease. Last evaluated: 2021-08-28. Review status: criteria provided, single submitter. Criteria: Invitae Variant Classification Sherloc (09022015). Collection method: clinical testing. Allele origin: germline.
Comment: This sequence change replaces glycine with glutamic acid at codon 2782 of the PKHD1 protein (p.Gly2782Glu). The glycine residue is moderately conserved and there is a moderate physicochemical difference between glycine and glutamic acid. This variant is present in population databases (rs147222255, ExAC 0.02%). This variant has not been reported in the literature in individuals affected with PKHD1-related conditions. Algorithms developed to predict the effect of missense changes on protein structure and function are either unavailable or do not agree on the potential impact of this missense change (SIFT: "Deleterious"; PolyPhen-2: "Probably Damaging"; Align-GVGD: "Class C0"). In summary, the available evidence is currently insufficient to determine the role of this variant in disease. Therefore, it has been classified as a Variant of Uncertain Significance.